The following is an entry in ClinVar:

NM_022464.5(SIL1):c.694A>G (p.Ile232Val)

Gene: SIL1 (SIL1 nucleotide exchange factor; minus strand). Cytogenetic location: 5q31.2.
Variant type: single nucleotide variant.
Coding change: c.694A>G on transcript NM_022464.5 (MANE Select); coding-DNA position 694, A replaced by G.
Protein change: p.Ile232Val; replaces isoleucine 232 with valine.
Molecular consequence: missense variant.
Genome position (GRCh38, 1-based): chr5:139,021,244, T>C on the plus strand (A>G on the coding strand, the complement: SIL1 is on the minus strand). VCF-style: chr5-139021244-T-C. GRCh37 (hg19) VCF-style: chr5-138356933-T-C.
Other names: c.694A>G, p.Ile232Val (NM_001037633.2); short protein forms I232V.
Identifiers: ClinVar variation 1980880 (VCV001980880.4), dbSNP rs1406700667, ClinGen allele CA361134151.
Genomic context (GRCh38, chr5:139,021,244, plus strand): 5'-CGCCCAGCACAAACGCAGCATACTCCTTCACGAGGGGCTCTGTGCTGTTCAGCCCATTGA[T>C]CACCACTTGAAGACCACCAAAGGAAAGCAGGTCCTGCGCATTGTCCATCTGCAACAGAGC-3'
Protein context (NP_071909.1, residues 222-242): LLSFGGLQVV[Ile232Val]NGLNSTEPLV

ClinVar aggregate classification (germline): Uncertain significance (1 of 4 stars; one submission).

Conditions:
Marinesco-Sjögren syndrome (MSS). Also called: Marinesco-SjÃ¶gren syndrome; Marinesco-Sjogren Syndrome. Identifiers: Orphanet 559, MedGen C0024814, MONDO:0009567, OMIM 248800.

Submission:

Labcorp Genetics (formerly Invitae), Labcorp
Classification: Uncertain significance for Marinesco-Sjögren syndrome. Last evaluated: 2022-01-04. Review status: criteria provided, single submitter. Criteria: Invitae Variant Classification Sherloc (09022015). Collection method: clinical testing. Allele origin: germline.
Comment: In summary, the available evidence is currently insufficient to determine the role of this variant in disease. Therefore, it has been classified as a Variant of Uncertain Significance. Algorithms developed to predict the effect of missense changes on protein structure and function are either unavailable or do not agree on the potential impact of this missense change (SIFT: "Tolerated"; PolyPhen-2: "Probably Damaging"; Align-GVGD: "Class C0"). This variant has not been reported in the literature in individuals affected with SIL1-related conditions. This variant is not present in population databases (gnomAD no frequency). This sequence change replaces isoleucine, which is neutral and non-polar, with valine, which is neutral and non-polar, at codon 232 of the SIL1 protein (p.Ile232Val).